The following is an entry in ClinVar:

NM_001394062.1(MACF1):c.16045G>C (p.Glu5349Gln)

Gene: MACF1 (microtubule actin crosslinking factor 1; plus strand). Cytogenetic location: 1p34.3.
Variant type: single nucleotide variant.
Coding change: c.16045G>C on transcript NM_001394062.1 (MANE Select); coding-DNA position 16045, G replaced by C.
Protein change: p.Glu5349Gln; replaces glutamic acid 5349 with glutamine.
Molecular consequence: missense variant.
Genome position (GRCh38, 1-based): chr1:39,422,796, G>C. VCF-style: chr1-39422796-G-C. GRCh37 (hg19) VCF-style: chr1-39888468-G-C.
Other names: c.4441G>C, p.Glu1481Gln (NM_001397473.1); c.9859G>C, p.Glu3287Gln (NM_012090.5); short protein forms E1481Q, E3287Q, E5349Q.
Identifiers: ClinVar variation 5009241 (VCV005009241.1).

ClinVar aggregate classification (germline): Uncertain significance (1 of 4 stars; one submission).

Submission:

GeneDx
Classification: Uncertain significance. Last evaluated: 2026-03-15. Review status: criteria provided, single submitter. Criteria: GeneDx Variant Classification Process June 2021. Collection method: clinical testing. Allele origin: germline.
Comment: Not observed at significant frequency in large population cohorts (gnomAD); In silico analysis supports that this missense variant has a deleterious effect on protein structure/function; Has not been previously published as pathogenic or benign to our knowledge